The following is an entry in ClinVar:

ClinVar aggregate classification (germline): Pathogenic (1 of 4 stars; one submission).

Submission:

GeneDx
Classification: Pathogenic. Last evaluated: 2023-01-11. Review status: criteria provided, single submitter. Criteria: GeneDx Variant Classification Process June 2021. Collection method: clinical testing. Allele origin: germline. Affected: yes.
Comment: Frameshift variant predicted to result in protein truncation or nonsense mediated decay in a gene for which loss-of-function is a known mechanism of disease; Not observed in large population cohorts (gnomAD); Has not been previously published as pathogenic or benign to our knowledge

NM_002180.3(IGHMBP2):c.2039del (p.Gln680fs)

Gene: IGHMBP2 (immunoglobulin mu DNA binding protein 2; plus strand). Cytogenetic location: 11q13.3.
Variant type: Deletion.
Coding change: c.2039del on transcript NM_002180.3 (MANE Select); coding-DNA position 2039, one base deleted (A; older notation c.2039delA).
Protein change: p.Gln680fs; shifts the reading frame from glutamine 680.
Molecular consequence: frameshift variant.
Genome position (GRCh38, 1-based): chr11:68,936,519, A deleted. VCF-style (leftmost placement, unchanged base first): chr11-68936518-CA-C. GRCh37 (hg19) VCF-style: chr11-68703986-CA-C.
Other names: c.2039delA (NM_002180.2); short protein forms Q680fs.
Identifiers: ClinVar variation 1188696 (VCV001188696.3), dbSNP rs2154008855, ClinGen allele CA2499221282.
Genomic context (GRCh38, chr11:68,936,518, plus strand): 5'-AGCCACGCTGCCACCAAGCCCCAGGGACCTGCTACGTCCACCAGGACCGGAAGCCAGCGG[CA>C]GGAGGGAGGCCAGGAGGCTGCAGCACCTGCCAGACAGGGCCGGAAGAAGCCGGCTGGGAA-3'